The following is an entry in ClinVar:

ClinVar aggregate classification (germline): Uncertain significance. Review status: criteria provided, multiple submitters, no conflicts (2 of 4 stars). 3 submissions from 3 submitters: Uncertain significance (3). Last evaluated 2024-10-29.

Conditions:
Neurodegeneration with brain iron accumulation 6 (NBIA6). Also called: COASY protein-associated neurodegeneration. Identifiers: Orphanet 397725, MedGen C4517377, MONDO:0014290, OMIM 615643.

Allele frequency attached by ClinVar (database versions not stated): ExAC 0.00005.

Submissions (3):

Labcorp Genetics (formerly Invitae), Labcorp
Classification: Uncertain significance for Neurodegeneration with brain iron accumulation 6. Last evaluated: 2024-10-29. Review status: criteria provided, single submitter. Criteria: Invitae Variant Classification Sherloc (09022015). Collection method: clinical testing. Allele origin: germline.
Comment: This sequence change replaces glycine, which is neutral and non-polar, with tryptophan, which is neutral and slightly polar, at codon 294 of the COASY protein (p.Gly294Trp). This variant is present in population databases (rs780099544, gnomAD 0.03%). This variant has not been reported in the literature in individuals affected with COASY-related conditions. ClinVar contains an entry for this variant (Variation ID: 1254887). Invitae Evidence Modeling of protein sequence and biophysical properties (such as structural, functional, and spatial information, amino acid conservation, physicochemical variation, residue mobility, and thermodynamic stability) indicates that this missense variant is expected to disrupt COASY protein function with a positive predictive value of 80%. In summary, the available evidence is currently insufficient to determine the role of this variant in disease. Therefore, it has been classified as a Variant of Uncertain Significance.

Ambry Genetics
Classification: Uncertain significance. Last evaluated: 2023-12-09. Review status: criteria provided, single submitter. Criteria: Ambry Variant Classification Scheme 2023. Collection method: clinical testing. Allele origin: germline.

GeneDx
Classification: Uncertain significance. Last evaluated: 2022-10-13. Review status: criteria provided, single submitter. Criteria: GeneDx Variant Classification Process June 2021. Collection method: clinical testing. Allele origin: germline. Affected: yes.
Comment: In silico analysis supports that this missense variant has a deleterious effect on protein structure/function; Has not been previously published as pathogenic or benign to our knowledge

NM_025233.7(COASY):c.880G>T (p.Gly294Trp)

Gene: COASY (Coenzyme A synthase; plus strand). Cytogenetic location: 17q21.2.
Variant type: single nucleotide variant.
Coding change: c.880G>T on transcript NM_025233.7 (MANE Select); coding-DNA position 880, G replaced by T.
Protein change: p.Gly294Trp; replaces glycine 294 with tryptophan.
Molecular consequence: missense variant.
Genome position (GRCh38, 1-based): chr17:42,564,140, G>T. VCF-style: chr17-42564140-G-T. GRCh37 (hg19) VCF-style: chr17-40716158-G-T.
Other names: c.880G>T, p.Gly294Trp (NM_001042529.3); c.967G>T, p.Gly323Trp (NM_001042532.4); c.967G>T (NM_001042532.2); short protein forms G294W, G323W.
Identifiers: ClinVar variation 1254887 (VCV001254887.9), dbSNP rs780099544, ClinGen allele CA8578087.